The following is an entry in ClinVar:

ClinVar aggregate classification (germline): Uncertain significance. Review status: criteria provided, multiple submitters, no conflicts (2 of 4 stars). 2 submissions from 2 submitters: Uncertain significance (2). Last evaluated 2023-08-16.

Conditions:
Inborn genetic diseases. Identifiers: MedGen C0950123, MeSH D030342.
Hypermethioninemia with deficiency of S-adenosylhomocysteine hydrolase. Identifiers: Orphanet 88618, MedGen C3151058, MONDO:0013404, OMIM 613752.

Allele frequency attached by ClinVar (database versions not stated): ExAC 0.00002; TOPMed 0.00003; gnomAD 0.00004; ESP Exome Variant Server 0.00008.
gnomAD v4.1: 13 of 1,614,026 alleles (0.00081%); highest among the groups gnomAD compares: African/African-American, 0.012%; no homozygotes.

Submissions (2):

Ambry Genetics
Classification: Uncertain significance for Inborn genetic diseases. Last evaluated: 2023-08-16. Review status: criteria provided, single submitter. Criteria: Ambry Variant Classification Scheme 2023. Collection method: clinical testing. Allele origin: germline.

Labcorp Genetics (formerly Invitae), Labcorp
Classification: Uncertain significance for Hypermethioninemia with deficiency of S-adenosylhomocysteine hydrolase. Last evaluated: 2022-05-22. Review status: criteria provided, single submitter. Criteria: Invitae Variant Classification Sherloc (09022015). Collection method: clinical testing. Allele origin: germline.
Comment: This sequence change replaces valine, which is neutral and non-polar, with methionine, which is neutral and non-polar, at codon 316 of the AHCY protein (p.Val316Met). This variant is present in population databases (rs140039996, gnomAD 0.008%). This variant has not been reported in the literature in individuals affected with AHCY-related conditions. Algorithms developed to predict the effect of missense changes on protein structure and function are either unavailable or do not agree on the potential impact of this missense change (SIFT: "Not Available"; PolyPhen-2: "Benign"; Align-GVGD: "Not Available"). In summary, the available evidence is currently insufficient to determine the role of this variant in disease. Therefore, it has been classified as a Variant of Uncertain Significance.

NM_000687.4(AHCY):c.946G>A (p.Val316Met)

Gene: AHCY (adenosylhomocysteinase; minus strand). Cytogenetic location: 20q11.22.
Variant type: single nucleotide variant.
Coding change: c.946G>A on transcript NM_000687.4 (MANE Select); coding-DNA position 946, G replaced by A.
Protein change: p.Val316Met; replaces valine 316 with methionine.
Molecular consequence: missense variant.
Genome position (GRCh38, 1-based): chr20:34,290,358, C>T on the plus strand (G>A on the coding strand, the complement: AHCY is on the minus strand). VCF-style: chr20-34290358-C-T. GRCh37 (hg19) VCF-style: chr20-32878164-C-T.
Other names: c.862G>A, p.Val288Met (NM_001161766.2, NM_001322084.2, NM_001322085.2); c.952G>A, p.Val318Met (NM_001322086.2); c.946G>A, p.Val316Met (NM_001362750.2); c.946G>A (NM_000687.2); short protein forms V316M, V318M, V288M.
Identifiers: ClinVar variation 2057978 (VCV002057978.3), dbSNP rs140039996, ClinGen allele CA9820835.